The following is an entry in ClinVar:

ClinVar aggregate classification (germline): Uncertain significance (1 of 4 stars; one submission).

Conditions:
Hereditary breast ovarian cancer syndrome. Also called: BRCA1- and BRCA2-Associated Hereditary Breast and Ovarian Cancer; Hereditary breast and ovarian cancer syndrome (HBOC); Hereditary breast and/or ovarian cancer syndrome; Hereditary breast and ovarian cancer syndrome; Hereditary breast and ovarian cancer; Breast and ovarian cancer. Identifiers: Orphanet 145, MedGen C0677776, MeSH D061325, MONDO:0003582. Disease mechanism: loss of function.

Submission:

Labcorp Genetics (formerly Invitae), Labcorp
Classification: Uncertain significance for Hereditary breast ovarian cancer syndrome. Last evaluated: 2022-09-10. Review status: criteria provided, single submitter. Criteria: Invitae Variant Classification Sherloc (09022015). Collection method: clinical testing. Allele origin: germline.
Comment: This sequence change replaces serine, which is neutral and polar, with leucine, which is neutral and non-polar, at codon 2372 of the BRCA2 protein (p.Ser2372Leu). This variant is not present in population databases (gnomAD no frequency). This variant has not been reported in the literature in individuals affected with BRCA2-related conditions. Advanced modeling of protein sequence and biophysical properties (such as structural, functional, and spatial information, amino acid conservation, physicochemical variation, residue mobility, and thermodynamic stability) performed at Invitae indicates that this missense variant is not expected to disrupt BRCA2 protein function. In summary, the available evidence is currently insufficient to determine the role of this variant in disease. Therefore, it has been classified as a Variant of Uncertain Significance.

NM_000059.4(BRCA2):c.7115C>T (p.Ser2372Leu)

Gene: BRCA2 (BRCA2 DNA repair associated; plus strand). Cytogenetic location: 13q13.1.
Variant type: single nucleotide variant.
Coding change: c.7115C>T on transcript NM_000059.4 (MANE Select); coding-DNA position 7115, C replaced by T.
Protein change: p.Ser2372Leu; replaces serine 2372 with leucine.
Molecular consequence: missense variant.
Genome position (GRCh38, 1-based): chr13:32,354,968, C>T. VCF-style: chr13-32354968-C-T. GRCh37 (hg19) VCF-style: chr13-32929105-C-T.
Other names: c.7019C>T, p.Ser2340Leu (NM_001406719.1); c.7115C>T, p.Ser2372Leu (NM_001406720.1); c.2183C>T, p.Ser728Leu (NM_001406721.1); c.698C>T, p.Ser233Leu (NM_001406722.1); short protein forms S233L, S2340L, S2372L, S728L.
Identifiers: ClinVar variation 1719149 (VCV001719149.6), dbSNP rs80358943, ClinGen allele CA387738668.